The following is an entry in ClinVar:

NM_201384.3(PLEC):c.12341C>A (p.Thr4114Lys)

Gene: PLEC (plectin; minus strand). Cytogenetic location: 8q24.3.
Variant type: single nucleotide variant.
Coding change: c.12341C>A on transcript NM_201384.3 (MANE Select); coding-DNA position 12341, C replaced by A.
Protein change: p.Thr4114Lys; replaces threonine 4114 with lysine.
Molecular consequence: missense variant.
Genome position (GRCh38, 1-based): chr8:143,917,480, G>T on the plus strand (C>A on the coding strand, the complement: PLEC is on the minus strand). VCF-style: chr8-143917480-G-T. GRCh37 (hg19) VCF-style: chr8-144991648-G-T.
Other names: c.12422C>A, p.Thr4141Lys (NM_000445.5); c.9041C>A, p.Thr3014Lys (NM_001410941.1); c.12299C>A, p.Thr4100Lys (NM_201378.4); c.12275C>A, p.Thr4092Lys (NM_201379.3); c.12752C>A, p.Thr4251Lys (NM_201380.4); c.12245C>A, p.Thr4082Lys (NM_201381.3); c.12341C>A, p.Thr4114Lys (NM_201382.4); c.12353C>A, p.Thr4118Lys (NM_201383.3); short protein forms T3014K, T4092K, T4141K, T4100K, T4118K, T4114K, T4082K, T4251K.
Identifiers: ClinVar variation 1953842 (VCV001953842.5), dbSNP rs377244187, ClinGen allele CA372482783.

ClinVar aggregate classification (germline): Uncertain significance (1 of 4 stars; one submission).

Conditions:
Epidermolysis bullosa simplex 5B, with muscular dystrophy (EBS5B). Also called: Epidermolysis bullosa simplex with muscular dystrophy; EPIDERMOLYSIS BULLOSA SIMPLEX AND LIMB-GIRDLE MUSCULAR DYSTROPHY. Identifiers: Orphanet 257, MedGen C2931072, MONDO:0009181, OMIM 226670.
Epidermolysis bullosa simplex, Ogna type (EBS5A). Also called: Pidermolysis bullosa simplex 5A, Ogna type; EPIDERMOLYSIS BULLOSA SIMPLEX 5A, OGNA TYPE. Identifiers: Orphanet 79401, MedGen C0432317, MONDO:0007555, OMIM 131950.
Epidermolysis bullosa simplex with nail dystrophy (EBS5D). Identifiers: MedGen C4225309, MONDO:0014661, OMIM 616487.
Epidermolysis bullosa simplex 5C, with pyloric atresia (EBS5C). Also called: PLEC1-Related Epidermolysis Bullosa with Pyloric Atresia; PLEC-Related Epidermolysis Bullosa with Pyloric Atresia; Epidermolysis bullosa simplex with pyloric atresia. Identifiers: Orphanet 158684, MedGen C2677349, MONDO:0012807, OMIM 612138.
Autosomal recessive limb-girdle muscular dystrophy type 2Q (LGMDR17). Also called: MUSCULAR DYSTROPHY, LIMB-GIRDLE, AUTOSOMAL RECESSIVE 17. Identifiers: Orphanet 254361, MedGen C3150989, MONDO:0013390, OMIM 613723.

gnomAD v4.1: 2 of 1,613,842 alleles (0.00012%); highest among the groups gnomAD compares: Non-Finnish European, 0.00017%; no homozygotes.

Submission:

Labcorp Genetics (formerly Invitae), Labcorp
Classification: Uncertain significance for Autosomal recessive limb-girdle muscular dystrophy type 2Q; Epidermolysis bullosa simplex, Ogna type; Epidermolysis bullosa simplex with nail dystrophy; Epidermolysis bullosa simplex 5C, with pyloric atresia; Epidermolysis bullosa simplex 5B, with muscular dystrophy. Last evaluated: 2022-11-03. Review status: criteria provided, single submitter. Criteria: Invitae Variant Classification Sherloc (09022015). Collection method: clinical testing. Allele origin: germline.
Comment: This variant has not been reported in the literature in individuals affected with PLEC-related conditions. In summary, the available evidence is currently insufficient to determine the role of this variant in disease. Therefore, it has been classified as a Variant of Uncertain Significance. Advanced modeling of protein sequence and biophysical properties (such as structural, functional, and spatial information, amino acid conservation, physicochemical variation, residue mobility, and thermodynamic stability) performed at Invitae indicates that this missense variant is not expected to disrupt PLEC protein function. This variant is not present in population databases (gnomAD no frequency). This sequence change replaces threonine, which is neutral and polar, with lysine, which is basic and polar, at codon 4141 of the PLEC protein (p.Thr4141Lys).